The following is an entry in ClinVar:

ClinVar aggregate classification (germline): Uncertain significance. Review status: criteria provided, multiple submitters, no conflicts (2 of 4 stars). 2 submissions from 2 submitters: Uncertain significance (2). Last evaluated 2025-09-11.

Conditions:
Familial adenomatous polyposis 1 (FAP1). Also called: FAMILIAL ADENOMATOUS POLYPOSIS 1, ATTENUATED; POLYPOSIS, ADENOMATOUS INTESTINAL. Identifiers: MedGen C2713442, MONDO:0021056, OMIM 175100. Disease mechanism: loss of function.
Classic or attenuated familial adenomatous polyposis. Identifiers: MedGen CN372698, MONDO:0021057.

Submissions (2):

Labcorp Genetics (formerly Invitae), Labcorp
Classification: Uncertain significance for Familial adenomatous polyposis 1. Last evaluated: 2025-09-11. Review status: criteria provided, single submitter. Criteria: Invitae Variant Classification Sherloc (09022015). Collection method: clinical testing. Allele origin: germline.
Comment: This sequence change replaces glutamine, which is neutral and polar, with histidine, which is basic and polar, at codon 2288 of the APC protein (p.Gln2288His). This variant is not present in population databases (gnomAD no frequency). This variant has not been reported in the literature in individuals affected with APC-related conditions. ClinVar contains an entry for this variant (Variation ID: 3387043). Invitae Evidence Modeling of protein sequence and biophysical properties (such as structural, functional, and spatial information, amino acid conservation, physicochemical variation, residue mobility, and thermodynamic stability) indicates that this missense variant is not expected to disrupt APC protein function with a negative predictive value of 95%. In summary, the available evidence is currently insufficient to determine the role of this variant in disease. Therefore, it has been classified as a Variant of Uncertain Significance.

All of Us Research Program, National Institutes of Health
Classification: Uncertain significance for Classic or attenuated familial adenomatous polyposis. Last evaluated: 2024-04-30. Review status: criteria provided, single submitter. Criteria: ACMG Guidelines, 2015. Collection method: clinical testing. Allele origin: germline. Inheritance: Autosomal dominant inheritance. Observed: 2 variant alleles, 2 heterozygotes.
Comment: This study involves interpretation of variants in research participants for the purpose of population health screening. Participant phenotype was not available at the time of variant classification. Additional details can be found in publication PMID: 35346344, PMCID: PMC8962531

NM_000038.6(APC):c.6864G>C (p.Gln2288His)

Gene: APC (APC regulator of Wnt signaling pathway; plus strand). Cytogenetic location: 5q22.2.
Variant type: single nucleotide variant.
Coding change: c.6864G>C on transcript NM_000038.6 (MANE Select); coding-DNA position 6864, G replaced by C.
Protein change: p.Gln2288His; replaces glutamine 2288 with histidine.
Molecular consequence: missense variant. On other transcripts: non-coding transcript variant (2).
Genome position (GRCh38, 1-based): chr5:112,842,458, G>C. VCF-style: chr5-112842458-G-C. GRCh37 (hg19) VCF-style: chr5-112178155-G-C.
Other names: c.6864G>C, p.Gln2288His (NM_001127510.3, NM_001354895.2, NM_001407450.1); c.6810G>C, p.Gln2270His (NM_001127511.3); c.6918G>C, p.Gln2306His (NM_001354896.2, NM_001407447.1, NM_001407448.1 and 1 more transcripts); c.6894G>C, p.Gln2298His (NM_001354897.2); c.6789G>C, p.Gln2263His (NM_001354898.2); c.6780G>C, p.Gln2260His (NM_001354899.2); c.6741G>C, p.Gln2247His (NM_001354900.2); c.6687G>C, p.Gln2229His (NM_001354901.2, NM_001407453.1); and 11 more; short protein forms Q1904H, Q2005H, Q2128H, Q2159H, Q2162H, Q2187H, Q2197H, Q2205H.
Identifiers: ClinVar variation 3387043 (VCV003387043.2).